The following is an entry in ClinVar:

ClinVar aggregate classification (germline): Uncertain significance (1 of 4 stars; one submission).

Conditions:
Amyotrophic lateral sclerosis type 21. Also called: VOCAL CORD AND PHARYNGEAL DYSFUNCTION WITH DISTAL MYOPATHY; MYOPATHY, DISTAL, 2. Identifiers: Orphanet 600, Orphanet 803, MedGen C3807521, MONDO:0011632, OMIM 606070.

Allele frequency attached by ClinVar (database versions not stated): gnomAD 0.00001; gnomAD exomes 0.00001 and 0.00002; TOPMed 0.00001.
gnomAD v4.1: 30 of 1,614,028 alleles (0.0019%); highest among the groups gnomAD compares: Non-Finnish European, 0.0024%; no homozygotes.

Submission:

Labcorp Genetics (formerly Invitae), Labcorp
Classification: Uncertain significance for Amyotrophic lateral sclerosis type 21. Last evaluated: 2025-08-19. Review status: criteria provided, single submitter. Criteria: Invitae Variant Classification Sherloc (09022015). Collection method: clinical testing. Allele origin: germline.
Comment: This sequence change replaces proline, which is neutral and non-polar, with serine, which is neutral and polar, at codon 743 of the MATR3 protein (p.Pro743Ser). This variant is present in population databases (no rsID available, gnomAD 0.002%). This variant has not been reported in the literature in individuals affected with MATR3-related conditions. ClinVar contains an entry for this variant (Variation ID: 855664). Invitae Evidence Modeling of protein sequence and biophysical properties (such as structural, functional, and spatial information, amino acid conservation, physicochemical variation, residue mobility, and thermodynamic stability) indicates that this missense variant is not expected to disrupt MATR3 protein function with a negative predictive value of 80%. In summary, the available evidence is currently insufficient to determine the role of this variant in disease. Therefore, it has been classified as a Variant of Uncertain Significance.

NM_018834.6(MATR3):c.2227C>T (p.Pro743Ser)

Gene: MATR3 (matrin 3; plus strand). Cytogenetic location: 5q31.2.
Variant type: single nucleotide variant.
Coding change: c.2227C>T on transcript NM_018834.6 (MANE Select); coding-DNA position 2227, C replaced by T.
Protein change: p.Pro743Ser; replaces proline 743 with serine.
Molecular consequence: missense variant.
Genome position (GRCh38, 1-based): chr5:139,325,518, C>T. VCF-style: chr5-139325518-C-T. GRCh37 (hg19) VCF-style: chr5-138661207-C-T.
Other names: c.2227C>T, p.Pro743Ser (NM_001194954.2, NM_001194955.2, NM_199189.3); c.1363C>T, p.Pro455Ser (NM_001194956.2); c.1213C>T, p.Pro405Ser (NM_001282278.2); short protein forms P455S, P743S, P405S.
Identifiers: ClinVar variation 855664 (VCV000855664.10), dbSNP rs1452954379, ClinGen allele CA361146259.
Genomic context (GRCh38, chr5:139,325,518, plus strand): 5'-CTTGATCAAGAAAACGAAGCAGCGTTGGAAAATGGAATTAAAAATGAGGAAAACACAGAA[C>T]CAGGTGCTGAATCTTCTGAGAACGCTGATGATCCCAACAAAGATACAAGTGAAAACGCAG-3'
Protein context (NP_061322.2, residues 733-753): NGIKNEENTE[Pro743Ser]GAESSENADD